The following is an entry in ClinVar:

ClinVar aggregate classification (germline): Uncertain significance (1 of 4 stars; one submission).

Conditions:
RYR1-related disorder. Also called: RYR1-related condition; RYR1-related disorders. Identifiers: MedGen CN239331.

Submission:

Labcorp Genetics (formerly Invitae), Labcorp
Classification: Uncertain significance for RYR1-related disorder. Last evaluated: 2023-11-19. Review status: criteria provided, single submitter. Criteria: Invitae Variant Classification Sherloc (09022015). Collection method: clinical testing. Allele origin: germline.
Comment: This sequence change replaces threonine, which is neutral and polar, with isoleucine, which is neutral and non-polar, at codon 406 of the RYR1 protein (p.Thr406Ile). This variant is present in population databases (no rsID available, gnomAD 0.0009%). This variant has not been reported in the literature in individuals affected with RYR1-related conditions. Advanced modeling of protein sequence and biophysical properties (such as structural, functional, and spatial information, amino acid conservation, physicochemical variation, residue mobility, and thermodynamic stability) has been performed at Invitae for this missense variant, however the output from this modeling did not meet the statistical confidence thresholds required to predict the impact of this variant on RYR1 protein function. In summary, the available evidence is currently insufficient to determine the role of this variant in disease. Therefore, it has been classified as a Variant of Uncertain Significance.

NM_000540.3(RYR1):c.1217C>T (p.Thr406Ile)

Gene: RYR1 (ryanodine receptor 1; plus strand). Cytogenetic location: 19q13.2.
Variant type: single nucleotide variant.
Coding change: c.1217C>T on transcript NM_000540.3 (MANE Select); coding-DNA position 1217, C replaced by T.
Protein change: p.Thr406Ile; replaces threonine 406 with isoleucine.
Molecular consequence: missense variant.
Genome position (GRCh38, 1-based): chr19:38,451,858, C>T. VCF-style: chr19-38451858-C-T. GRCh37 (hg19) VCF-style: chr19-38942498-C-T.
Other names: c.1217C>T, p.Thr406Ile (NM_001042723.2); short protein forms T406I.
Identifiers: ClinVar variation 2972561 (VCV002972561.3), dbSNP rs1267117713, ClinGen allele CA405683928.
Genomic context (GRCh38, chr19:38,451,858, plus strand): 5'-CACTGTCGCTGACCCGCTGCCAGCAGGAGGAGTCCCAGGCCGCCCGCATGATCCACAGCA[C>T]CAATGGCCTATACAACCAGTTCATCAAGTGAGCAACCTGCCCTCCCTGCTGGGGTGACTC-3'
Protein context (NP_000531.2, residues 396-416): ESQAARMIHS[Thr406Ile]NGLYNQFIKS